The following is an entry in ClinVar:

NM_014874.4(MFN2):c.1936G>A (p.Val646Ile)

Gene: MFN2 (mitofusin 2; plus strand). Cytogenetic location: 1p36.22.
Variant type: single nucleotide variant.
Coding change: c.1936G>A on transcript NM_014874.4 (MANE Select); coding-DNA position 1936, G replaced by A.
Protein change: p.Val646Ile; replaces valine 646 with isoleucine.
Molecular consequence: missense variant.
Genome position (GRCh38, 1-based): chr1:12,007,116, G>A. VCF-style: chr1-12007116-G-A. GRCh37 (hg19) VCF-style: chr1-12067173-G-A.
Other names: c.1936G>A, p.Val646Ile (NM_001127660.2); short protein forms V646I.
Identifiers: ClinVar variation 647781 (VCV000647781.6), dbSNP rs754683866, ClinGen allele CA599280.

ClinVar aggregate classification (germline): Uncertain significance (1 of 4 stars; one submission).

Conditions:
Charcot-Marie-Tooth disease type 2. Also called: Charcot-Marie-Tooth type 2. Identifiers: Orphanet 64746, MedGen C0270914, MONDO:0018993.

Allele frequency attached by ClinVar (database versions not stated): gnomAD exomes below 0.00001; TOPMed below 0.00001; ExAC 0.00001.
gnomAD v4.1: 19 of 1,614,208 alleles (0.0012%); highest among the groups gnomAD compares: Non-Finnish European, 0.0014%; no homozygotes.

Submission:

Labcorp Genetics (formerly Invitae), Labcorp
Classification: Uncertain significance for Charcot-Marie-Tooth disease type 2. Last evaluated: 2022-10-16. Review status: criteria provided, single submitter. Criteria: Invitae Variant Classification Sherloc (09022015). Collection method: clinical testing. Allele origin: germline.
Comment: This variant is present in population databases (rs754683866, gnomAD 0.003%). This sequence change replaces valine, which is neutral and non-polar, with isoleucine, which is neutral and non-polar, at codon 646 of the MFN2 protein (p.Val646Ile). This variant has not been reported in the literature in individuals affected with MFN2-related conditions. ClinVar contains an entry for this variant (Variation ID: 647781). Algorithms developed to predict the effect of missense changes on protein structure and function (SIFT, PolyPhen-2, Align-GVGD) all suggest that this variant is likely to be tolerated. In summary, the available evidence is currently insufficient to determine the role of this variant in disease. Therefore, it has been classified as a Variant of Uncertain Significance.